The following is an entry in ClinVar:

NM_000388.4(CASR):c.2358C>G (p.Ile786Met)

Gene: CASR (calcium sensing receptor; plus strand). Cytogenetic location: 3q21.1.
Variant type: single nucleotide variant.
Coding change: c.2358C>G on transcript NM_000388.4 (MANE Select); coding-DNA position 2358, C replaced by G.
Protein change: p.Ile786Met; replaces isoleucine 786 with methionine.
Molecular consequence: missense variant.
Genome position (GRCh38, 1-based): chr3:122,284,312, C>G. VCF-style: chr3-122284312-C-G. GRCh37 (hg19) VCF-style: chr3-122003159-C-G.
Other names: c.2388C>G, p.Ile796Met (NM_001178065.2); short protein forms I786M, I796M.
Identifiers: ClinVar variation 5001441 (VCV005001441.1).

ClinVar aggregate classification (germline): Uncertain significance (1 of 4 stars; one submission).

Conditions:
CASR-related disorder. Also called: CASR-related condition.

Submission:

PreventionGenetics, part of Exact Sciences
Classification: Uncertain significance for CASR-related condition. Last evaluated: 2025-05-08. Review status: criteria provided, single submitter. Criteria: ACMG Guidelines, 2015. Collection method: clinical testing. Allele origin: germline.
Comment: The CASR c.2388C>G variant is predicted to result in the amino acid substitution p.Ile796Met. To our knowledge, this variant has not been reported in the literature or in a large population database (gnomAD), indicating this variant is rare. This variant is referred to as p.Ile786Met in an alternate transcript for this gene (NM_000388). At this time, the clinical significance of this variant is uncertain due to the absence of conclusive functional and genetic evidence.